The following is an entry in ClinVar:

NM_032634.4(PIGO):c.2197C>T (p.Arg733Trp)

Gene: PIGO (phosphatidylinositol glycan anchor biosynthesis class O; minus strand). Cytogenetic location: 9p13.3.
Variant type: single nucleotide variant.
Coding change: c.2197C>T on transcript NM_032634.4 (MANE Select); coding-DNA position 2197, C replaced by T.
Protein change: p.Arg733Trp; replaces arginine 733 with tryptophan.
Molecular consequence: missense variant. On other transcripts: intron variant (2).
Genome position (GRCh38, 1-based): chr9:35,091,690, G>A on the plus strand (C>T on the coding strand, the complement: PIGO is on the minus strand). VCF-style: chr9-35091690-G-A. GRCh37 (hg19) VCF-style: chr9-35091687-G-A.
Other names: c.1345-399C>T (NM_152850.4, NM_001201484.2); short protein forms R733W.
Identifiers: ClinVar variation 432734 (VCV000432734.10), dbSNP rs748093757, ClinGen allele CA5040473.

ClinVar aggregate classification (germline): Conflicting classifications of pathogenicity. Review status: criteria provided, conflicting classifications (1 of 4 stars). 2 submissions from 2 submitters: Uncertain significance (1); Likely benign (1). Last evaluated 2025-02-24.

Conditions:
Hyperphosphatasia with impaired intellectual development syndrome 2. Also called: GLYCOSYLPHOSPHATIDYLINOSITOL BIOSYNTHESIS DEFECT 6; Hyperphosphatasia with intellectual disability syndrome 2. Identifiers: Orphanet 247262, MedGen C3553637, MONDO:0013882, OMIM 614749.

Allele frequency attached by ClinVar (database versions not stated): TOPMed 0.00002; ExAC 0.00015; gnomAD 0.00013 and 0.00012; gnomAD exomes 0.00014.
gnomAD v4.1: 118 of 1,612,402 alleles (0.0073%); highest among the groups gnomAD compares: African/African-American, 0.0027%; no homozygotes.

Submissions (2):

Labcorp Genetics (formerly Invitae), Labcorp
Classification: Likely benign for Hyperphosphatasia with impaired intellectual development syndrome 2. Last evaluated: 2025-02-24. Review status: criteria provided, single submitter. Criteria: Invitae Variant Classification Sherloc (09022015). Collection method: clinical testing. Allele origin: germline.

GeneDx
Classification: Uncertain significance. Last evaluated: 2017-06-14. Review status: criteria provided, single submitter. Criteria: GeneDx Variant Classification (06012015). Collection method: clinical testing. Allele origin: germline. Affected: yes.
Comment: A variant of uncertain significance has been identified in the PIGO gene. The R733W variant has not been published as a pathogenic variant, nor has it been reported as a benign variant to our knowledge. The R733W variant is observed in 13/6572 (0.2%) alleles from individuals of European background (Lek et al., 2016; 1000 Genomes Consortium et al., 2015; Exome Variant Server). The R733W variant is a non-conservative amino acid substitution, which is likely to impact secondary protein structure as these residues differ in polarity, charge, size and/or other properties. In silico analysis predicts this variant is probably damaging to the protein structure/function. However, this substitution occurs at a position that is not conserved. Therefore, based on the currently available information, it is unclear whether this variant is a pathogenic variant or a rare benign variant.